The following is an entry in ClinVar:

ClinVar aggregate classification (germline): Uncertain significance (1 of 4 stars; one submission).

Submission:

Labcorp Genetics (formerly Invitae), Labcorp
Classification: Uncertain significance. Last evaluated: 2021-09-26. Review status: criteria provided, single submitter. Criteria: Invitae Variant Classification Sherloc (09022015). Collection method: clinical testing. Allele origin: germline.
Comment: In summary, the available evidence is currently insufficient to determine the role of this variant in disease. Therefore, it has been classified as a Variant of Uncertain Significance. Algorithms developed to predict the effect of missense changes on protein structure and function output the following: SIFT: "Tolerated"; PolyPhen-2: "Benign"; Align-GVGD: "Class C0". The serine amino acid residue is found in multiple mammalian species, which suggests that this missense change does not adversely affect protein function. This variant has not been reported in the literature in individuals affected with AP3D1-related conditions. This variant is not present in population databases (ExAC no frequency). This sequence change replaces asparagine with serine at codon 149 of the AP3D1 protein (p.Asn149Ser). The asparagine residue is highly conserved and there is a small physicochemical difference between asparagine and serine.

NM_001261826.3(AP3D1):c.446A>G (p.Asn149Ser)

Gene: AP3D1 (adaptor related protein complex 3 subunit delta 1; minus strand). Cytogenetic location: 19p13.3.
Variant type: single nucleotide variant.
Coding change: c.446A>G on transcript NM_001261826.3 (MANE Select); coding-DNA position 446, A replaced by G.
Protein change: p.Asn149Ser; replaces asparagine 149 with serine.
Molecular consequence: missense variant.
Genome position (GRCh38, 1-based): chr19:2,132,487, T>C on the plus strand (A>G on the coding strand, the complement: AP3D1 is on the minus strand). VCF-style: chr19-2132487-T-C. GRCh37 (hg19) VCF-style: chr19-2132486-T-C.
Other names: c.446A>G, p.Asn149Ser (NM_001374799.1, NM_003938.8); short protein forms N149S.
Identifiers: ClinVar variation 1383294 (VCV001383294.6), dbSNP rs2145121434, ClinGen allele CA403228777.
Genomic context (GRCh38, chr19:2,132,487, plus strand): 5'-CCAGAGCAGACATGCAGGGGTGGTGGGCAGGCTTACAAACTCACCAGTGTCATGATGTCA[T>C]TTGCCAGGTCTCTGGCAAGGTCTGGGGTGACGAAGCAGGACAGACCCGTCAGTGCAACAC-3'
Protein context (NP_001248755.1, residues 139-159): VTPDLARDLA[Asn149Ser]DIMTLMSHTK